The following is an entry in ClinVar:

ClinVar aggregate classification (germline): Uncertain significance (1 of 4 stars; one submission).

Submission:

CeGaT Center for Human Genetics Tuebingen
Classification: Uncertain significance. Last evaluated: 2023-12-01. Review status: criteria provided, single submitter. Criteria: CeGaT Center For Human Genetics Tuebingen Variant Classification Criteria Version 2. Collection method: clinical testing. Allele origin: germline. Affected: yes. Observed: 1 variant allele.
Comment: GCN1: PM2, PP3

NM_006836.2(GCN1):c.6046G>T (p.Asp2016Tyr)

Gene: GCN1 (GCN1 activator of EIF2AK4; minus strand). Cytogenetic location: 12q24.23.
Variant type: single nucleotide variant.
Coding change: c.6046G>T on transcript NM_006836.2 (MANE Select); coding-DNA position 6046, G replaced by T.
Protein change: p.Asp2016Tyr; replaces aspartic acid 2016 with tyrosine.
Molecular consequence: missense variant.
Genome position (GRCh38, 1-based): chr12:120,138,805, C>A on the plus strand (G>T on the coding strand, the complement: GCN1 is on the minus strand). VCF-style: chr12-120138805-C-A. GRCh37 (hg19) VCF-style: chr12-120576609-C-A.
Other names: short protein forms D2016Y.
Identifiers: ClinVar variation 2672525 (VCV002672525.23), dbSNP rs2503835419, ClinGen allele CA386595131.